The following is an entry in ClinVar:

NM_014727.3(KMT2B):c.3643-20C>G

Gene: KMT2B (lysine methyltransferase 2B; plus strand). Cytogenetic location: 19q13.12.
Variant type: single nucleotide variant.
Coding change: c.3643-20C>G on transcript NM_014727.3 (MANE Select); 20 bases into the intron before coding-DNA position 3643, C replaced by G.
Molecular consequence: intron variant.
Genome position (GRCh38, 1-based): chr19:35,725,459, C>G. VCF-style: chr19-35725459-C-G. GRCh37 (hg19) VCF-style: chr19-36216360-C-G.
Identifiers: ClinVar variation 2026190 (VCV002026190.4), dbSNP rs2513330996, ClinGen allele CA2580096818.

ClinVar aggregate classification (germline): Uncertain significance (1 of 4 stars; one submission).

Submission:

Labcorp Genetics (formerly Invitae), Labcorp
Classification: Uncertain significance. Last evaluated: 2022-08-29. Review status: criteria provided, single submitter. Criteria: Invitae Variant Classification Sherloc (09022015). Collection method: clinical testing. Allele origin: germline.
Comment: In summary, the available evidence is currently insufficient to determine the role of this variant in disease. Therefore, it has been classified as a Variant of Uncertain Significance. Algorithms developed to predict the effect of sequence changes on RNA splicing suggest that this variant may create or strengthen a splice site. This variant has not been reported in the literature in individuals affected with KMT2B-related conditions. This variant is not present in population databases (gnomAD no frequency). This sequence change falls in intron 11 of the KMT2B gene. It does not directly change the encoded amino acid sequence of the KMT2B protein.